The following is an entry in ClinVar:

ClinVar aggregate classification (germline): Uncertain significance. Review status: criteria provided, multiple submitters, no conflicts (2 of 4 stars). 6 submissions from 6 submitters: Uncertain significance (5). 1 of the submissions does not count toward it. Last evaluated 2024-12-02.

Conditions:
Hereditary cancer-predisposing syndrome. Also called: Tumor predisposition; Hereditary Cancer Syndrome; Hereditary neoplastic syndrome; Neoplastic Syndromes, Hereditary. Identifiers: Orphanet 140162, MedGen C0027672, MeSH D009386, MONDO:0015356.
Fanconi anemia (FA). Also called: Fanconi's anemia. Identifiers: Orphanet 84, MedGen C0015625, MeSH D005199, MONDO:0019391.
Fanconi anemia complementation group C (FANCC). Also called: FANCONI PANCYTOPENIA, TYPE 3; FACC; FANCC-Related Fanconi Anemia; Fanconi anemia, group C. Identifiers: Orphanet 84, MedGen C3468041, MONDO:0009213, OMIM 227645.

Allele frequency attached by ClinVar (database versions not stated): gnomAD 0.00001; gnomAD exomes 0.00001 and 0.00002; ExAC 0.00002; TOPMed 0.00002.
gnomAD v4.1: 37 of 1,606,000 alleles (0.0023%); highest among the groups gnomAD compares: Non-Finnish European, 0.0028%; no homozygotes.

Submissions (6):

Ambry Genetics
Classification: Uncertain significance for Hereditary cancer-predisposing syndrome. Last evaluated: 2024-12-02. Review status: criteria provided, single submitter. Criteria: Ambry Variant Classification Scheme 2023. Collection method: clinical testing. Allele origin: germline.
Comment: The p.P147L variant (also known as c.440C>T), located in coding exon 4 of the FANCC gene, results from a C to T substitution at nucleotide position 440. The proline at codon 147 is replaced by leucine, an amino acid with similar properties. This variant has been reported in 1/1120 pediatric cancer patients who underwent whole genome sequencing and/or whole exome sequencing; this patient was diagnosed with neuroblastoma (Zhang J et al. N. Engl. J. Med., 2015 Dec;373:2336-2346). This amino acid position is well conserved in available vertebrate species. In addition, this alteration is predicted to be tolerated by in silico analysis. Since supporting evidence is limited at this time, the clinical significance of this alteration remains unclear.

GeneDx
Classification: Uncertain significance. Last evaluated: 2023-11-06. Review status: criteria provided, single submitter. Criteria: GeneDx Variant Classification Process June 2021. Collection method: clinical testing. Allele origin: germline. Affected: yes.
Comment: Not observed at significant frequency in large population cohorts (gnomAD); In silico analysis supports that this missense variant has a deleterious effect on protein structure/function; In silico analysis, which includes splice predictors and evolutionary conservation, suggests this variant may impact gene splicing. In the absence of RNA/functional studies, the actual effect of this sequence change is unknown.; Observed in an individual with neuroblastoma in published literature (PMID: 26580448); This variant is associated with the following publications: (PMID: 26580448, Gordon2000[Book])

Labcorp Genetics (formerly Invitae), Labcorp
Classification: Uncertain significance for Fanconi anemia. Last evaluated: 2022-10-13. Review status: criteria provided, single submitter. Criteria: Invitae Variant Classification Sherloc (09022015). Collection method: clinical testing. Allele origin: germline.
Comment: This sequence change replaces proline, which is neutral and non-polar, with leucine, which is neutral and non-polar, at codon 147 of the FANCC protein (p.Pro147Leu). This variant is present in population databases (rs730881711, gnomAD 0.002%). This variant has not been reported in the literature in individuals affected with FANCC-related conditions. ClinVar contains an entry for this variant (Variation ID: 182469). Advanced modeling of protein sequence and biophysical properties (such as structural, functional, and spatial information, amino acid conservation, physicochemical variation, residue mobility, and thermodynamic stability) performed at Invitae indicates that this missense variant is not expected to disrupt FANCC protein function. Algorithms developed to predict the effect of sequence changes on RNA splicing suggest that this variant may create or strengthen a splice site. In summary, the available evidence is currently insufficient to determine the role of this variant in disease. Therefore, it has been classified as a Variant of Uncertain Significance.

Fulgent Genetics
Classification: Uncertain significance for Fanconi anemia complementation group C. Last evaluated: 2022-04-08. Review status: criteria provided, single submitter. Criteria: ACMG Guidelines, 2015. Collection method: clinical testing. Allele origin: unknown.

Illumina Laboratory Services, Illumina
Classification: Uncertain significance for Fanconi anemia complementation group C. Last evaluated: 2018-01-13. Review status: criteria provided, single submitter. Criteria: ICSL Variant Classification Criteria 13 December 2019. Collection method: clinical testing. Allele origin: germline.

Natera, Inc.
Classification: Uncertain significance for Fanconi anemia, group C. Last evaluated: 2020-09-16. Review status: no assertion criteria provided. Collection method: clinical testing. Allele origin: germline. Not counted in ClinVar's aggregate classification.

Literature cited by the submitters: PubMed 26580448 (cited by Ambry Genetics).

NM_000136.3(FANCC):c.440C>T (p.Pro147Leu)

Gene: FANCC (FA complementation group C; minus strand). Cytogenetic location: 9q22.32.
Variant type: single nucleotide variant.
Coding change: c.440C>T on transcript NM_000136.3 (MANE Select); coding-DNA position 440, C replaced by T.
Protein change: p.Pro147Leu; replaces proline 147 with leucine.
Molecular consequence: missense variant.
Genome position (GRCh38, 1-based): chr9:95,172,053, G>A on the plus strand (C>T on the coding strand, the complement: FANCC is on the minus strand). VCF-style: chr9-95172053-G-A. GRCh37 (hg19) VCF-style: chr9-97934335-G-A.
Other names: p.P147L:CCT>CTT; c.440C>T, p.Pro147Leu (NM_001243743.2, NM_001243744.2); short protein forms P147L.
Identifiers: ClinVar variation 182469 (VCV000182469.19), dbSNP rs730881711, ClinGen allele CA299136.
Genomic context (GRCh38, chr9:95,172,053, plus strand): 5'-TTCAGCATTAAACATTTCAAAAGTGATAAATTTTAAATACTCACATTTTTAAGCAAACCA[G>A]GATAGTAATCTATAGGTGCATACCCAAGACCTTGAGTGAAAAGAGCAACTTCTTTATCAA-3'
Protein context (NP_000127.2, residues 137-157): GLGYAPIDYY[Pro147Leu]GLLKNMVLSL